The following is an entry in ClinVar:

NM_015164.4(PLEKHM2):c.14A>T (p.Glu5Val)

Gene: PLEKHM2 (pleckstrin homology and RUN domain containing M2; plus strand). Cytogenetic location: 1p36.21.
Variant type: single nucleotide variant.
Coding change: c.14A>T on transcript NM_015164.4 (MANE Select); coding-DNA position 14, A replaced by T.
Protein change: p.Glu5Val; replaces glutamic acid 5 with valine.
Molecular consequence: missense variant.
Genome position (GRCh38, 1-based): chr1:15,684,572, A>T. VCF-style: chr1-15684572-A-T. GRCh37 (hg19) VCF-style: chr1-16011067-A-T.
Other names: short protein forms E5V.
Identifiers: ClinVar variation 1423698 (VCV001423698.7), dbSNP rs769845310, ClinGen allele CA616561.

ClinVar aggregate classification (germline): Uncertain significance. Review status: criteria provided, multiple submitters, no conflicts (2 of 4 stars). 2 submissions from 2 submitters: Uncertain significance (2). Last evaluated 2023-12-15.

Allele frequency attached by ClinVar (database versions not stated): ExAC 0.00002.
gnomAD v4.1: 19 of 1,294,400 alleles (0.0015%); highest among the groups gnomAD compares: Non-Finnish European, 0.0019%; no homozygotes.

Submissions (2):

Blueprint Genetics
Classification: Uncertain significance. Last evaluated: 2023-12-15. Review status: criteria provided, single submitter. Criteria: ACMG Guidelines, 2015. Collection method: clinical testing. Allele origin: germline.

Labcorp Genetics (formerly Invitae), Labcorp
Classification: Uncertain significance. Last evaluated: 2022-03-19. Review status: criteria provided, single submitter. Criteria: Invitae Variant Classification Sherloc (09022015). Collection method: clinical testing. Allele origin: germline.
Comment: Algorithms developed to predict the effect of missense changes on protein structure and function (SIFT, PolyPhen-2, Align-GVGD) all suggest that this variant is likely to be tolerated. In summary, the available evidence is currently insufficient to determine the role of this variant in disease. Therefore, it has been classified as a Variant of Uncertain Significance. This variant has not been reported in the literature in individuals affected with PLEKHM2-related conditions. This sequence change replaces glutamic acid, which is acidic and polar, with valine, which is neutral and non-polar, at codon 5 of the PLEKHM2 protein (p.Glu5Val). The frequency data for this variant in the population databases is considered unreliable, as metrics indicate poor data quality at this position in the gnomAD database.